The following is an entry in ClinVar:

NM_007279.3(U2AF2):c.112_132del (p.Lys38_Arg44del)

Gene: U2AF2 (U2 small nuclear RNA auxiliary factor 2; plus strand). Cytogenetic location: 19q13.42.
Variant type: Deletion.
Coding change: c.112_132del on transcript NM_007279.3 (MANE Select); coding-DNA positions 112 to 132, 21 bases deleted (AAACGCCGGAGCCGGAGCCGC).
Protein change: p.Lys38_Arg44del.
Molecular consequence: inframe indel (on NM_007279.2).
Genome position (GRCh38, 1-based): chr19:55,659,272-55,659,292, AAACGCCGGAGCCGGAGCCGC deleted; deleting any 21 consecutive bases within chr19:55,659,268-55,659,292 gives the same sequence; the c. name uses the placement nearest the transcript's 3' end. VCF-style (leftmost placement, unchanged base first): chr19-55659267-ACCGCAAACGCCGGAGCCGGAG-A. GRCh37 (hg19) VCF-style: chr19-56170633-ACCGCAAACGCCGGAGCCGGAG-A.
Other names: c.112_132del, p.Lys38_Arg44del (NM_001012478.2); c.112_132del21, p.Lys38_Arg44del (NM_007279.2).
Identifiers: ClinVar variation 4537982 (VCV004537982.1).

ClinVar aggregate classification (germline): Uncertain significance (1 of 4 stars; one submission).

Submission:

GeneDx
Classification: Uncertain significance. Last evaluated: 2025-06-06. Review status: criteria provided, single submitter. Criteria: GeneDx Variant Classification Process June 2021. Collection method: clinical testing. Allele origin: germline. Affected: yes.
Comment: Not observed at significant frequency in large population cohorts (gnomAD); In-frame deletion of 7 amino acid(s) in a non-repeat region; In silico analysis supports a deleterious effect on protein structure/function; Has not been previously published as pathogenic or benign to our knowledge.